The following is an entry in ClinVar:

NM_000466.3(PEX1):c.358-15G>A

Gene: PEX1 (peroxisomal biogenesis factor 1; minus strand). Cytogenetic location: 7q21.2.
Variant type: single nucleotide variant.
Coding change: c.358-15G>A on transcript NM_000466.3 (MANE Select); 15 bases into the intron before coding-DNA position 358, G replaced by A.
Molecular consequence: intron variant.
Genome position (GRCh38, 1-based): chr7:92,518,270, C>T on the plus strand (G>A on the coding strand, the complement: PEX1 is on the minus strand). VCF-style: chr7-92518270-C-T. GRCh37 (hg19) VCF-style: chr7-92147584-C-T.
Other names: c.358-15G>A (NM_001282677.2); c.-267-15G>A (NM_001282678.2).
Identifiers: ClinVar variation 93112 (VCV000093112.34), dbSNP rs38809, ClinGen allele CA146665.

ClinVar aggregate classification (germline): Benign. Review status: criteria provided, multiple submitters, no conflicts (2 of 4 stars). 16 submissions from 14 submitters: Benign (11). 5 of the submissions do not count toward it. Last evaluated 2026-02-04.

Conditions:
Peroxisome biogenesis disorder 1B (PBD1B). Also called: Refsum disease, infantile form; Infantile Refsum disease; Infantile form of phytanic acid storage disease; PEROXISOME BIOGENESIS DISORDER (NEONATAL ADRENOLEUKODYSTROPHY/INFANTILE REFSUM DISEASE); INFANTILE PHYTANIC ACID STORAGE DISEASE; PEROXISOME BIOGENESIS DISORDER (NALD/IRD). Identifiers: Orphanet 44, MedGen C0282527, MONDO:0011101, OMIM 601539.
Peroxisome biogenesis disorder 1A (Zellweger) (PBD1A). Also called: Peroxisome biogenesis disorder 1a; Zellweger leukodystrophy. Identifiers: MedGen C4721541, MONDO:0008953, OMIM 214100.
Zellweger spectrum disorders (ZS). Also called: Zellweger syndrome; Zellweger Spectrum Disorder; Zellweger Spectrum; Zellweger Spectrum Disorder (ZSD). Identifiers: Orphanet 912, MedGen C0043459, MONDO:0019609.
Heimler syndrome 1 (HMLR1). Also called: PEROXISOME BIOGENESIS DISORDER 1C. Identifiers: Orphanet 3220, MedGen C4551980, OMIM 234580, MONDO:0024544.

Allele frequency attached by ClinVar (database versions not stated): ESP Exome Variant Server 0.86468; gnomAD 0.86650 and 0.86905; TOPMed 0.87700; gnomAD exomes 0.87858 and 0.88252; ExAC 0.87926; 1000 Genomes Project 0.89397; 1000 Genomes Project 30x 0.89475.
gnomAD v4.1: 1,275,192 of 1,452,726 alleles (88%); highest among the groups gnomAD compares: East Asian, 96%; 560,211 homozygotes.

Submissions (16):

Labcorp Genetics (formerly Invitae), Labcorp
Classification: Benign for Zellweger spectrum disorders. Last evaluated: 2026-02-04. Review status: criteria provided, single submitter. Criteria: Invitae Variant Classification Sherloc (09022015). Collection method: clinical testing. Allele origin: germline.

Blueprint Genetics
Classification: Benign. Last evaluated: 2024-11-27. Review status: criteria provided, single submitter. Criteria: ACMG Guidelines, 2015. Collection method: clinical testing. Allele origin: germline.

Genome-Nilou Lab
Classification: Benign for Heimler syndrome 1. Last evaluated: 2021-09-05. Review status: criteria provided, single submitter. Criteria: ACMG Guidelines, 2015. Collection method: clinical testing. Allele origin: germline. Affected: no.

Genome-Nilou Lab
Classification: Benign for Peroxisome biogenesis disorder 1B. Last evaluated: 2021-09-05. Review status: criteria provided, single submitter. Criteria: ACMG Guidelines, 2015. Collection method: clinical testing. Allele origin: germline. Affected: no.

Genome-Nilou Lab
Classification: Benign for Peroxisome biogenesis disorder 1A (Zellweger). Last evaluated: 2021-07-01. Review status: criteria provided, single submitter. Criteria: ACMG Guidelines, 2015. Collection method: clinical testing. Allele origin: germline. Affected: no.

GeneDx
Classification: Benign. Last evaluated: 2018-08-07. Review status: criteria provided, single submitter. Criteria: GeneDx Variant Classification Process June 2021. Collection method: clinical testing. Allele origin: germline. Affected: yes.

Illumina Laboratory Services, Illumina
Classification: Benign for Peroxisome biogenesis disorder 1A (Zellweger). Last evaluated: 2018-01-13. Review status: criteria provided, single submitter. Criteria: ICSL Variant Classification Criteria 13 December 2019. Collection method: clinical testing. Allele origin: germline.
Comment: This variant was observed in the ICSL laboratory as part of a predisposition screen in an ostensibly healthy population. It had not been previously curated by ICSL or reported in the Human Gene Mutation Database (HGMD: prior to June 1st, 2018), and was therefore a candidate for classification through an automated scoring system. Utilizing variant allele frequency, disease prevalence and penetrance estimates, and inheritance mode, an automated score was calculated to assess if this variant is too frequent to cause the disease. Based on the score and internal cut-off values, a variant classified as benign is not then subjected to further curation. The score for this variant resulted in a classification of benign for this disease.

Laboratory for Molecular Medicine, Mass General Brigham Personalized Medicine
Classification: Benign. Last evaluated: 2016-03-28. Review status: criteria provided, single submitter. Criteria: LMM Criteria. Collection method: clinical testing. Allele origin: germline.
Comment: Variant identified in a genome or exome case(s) and assessed due to predicted null impact of the variant or pathogenic assertions in the literature or databases. Disclaimer: This variant has not undergone full assessment. The following are preliminary notes: 88% of total chromosomes in ExAC

Eurofins Ntd Llc (ga)
Classification: Benign. Last evaluated: 2013-07-29. Review status: criteria provided, single submitter. Criteria: EGL Classification Definitions 2015. Collection method: clinical testing. Allele origin: germline. Observed: 16 variant alleles, 3 heterozygotes, 13 homozygotes.

Breakthrough Genomics
Classification: Benign. Review status: criteria provided, single submitter. Criteria: ACMG Guidelines, 2015. Collection method: not provided. Allele origin: germline. Inheritance: Autosomal recessive inheritance. Affected: yes.

PreventionGenetics, part of Exact Sciences
Classification: Benign. Review status: criteria provided, single submitter. Criteria: ACMG Guidelines, 2015. Collection method: clinical testing. Allele origin: germline.

Natera, Inc.
Classification: Benign for Zellweger syndrome. Last evaluated: 2020-09-16. Review status: no assertion criteria provided. Collection method: clinical testing. Allele origin: germline. Not counted in ClinVar's aggregate classification.

Mayo Clinic Laboratories, Mayo Clinic
Classification: Benign. Last evaluated: 2015-10-21. Review status: no assertion criteria provided. Collection method: clinical testing. Allele origin: unknown. Not counted in ClinVar's aggregate classification.

Clinical Genetics DNA and cytogenetics Diagnostics Lab, Erasmus MC, Erasmus Medical Center
Classification: Benign. Review status: no assertion criteria provided. Collection method: clinical testing. Allele origin: germline. Affected: yes. Study: VKGL Data-share Consensus. Not counted in ClinVar's aggregate classification.

Clinical Genetics, Academic Medical Center
Classification: Benign. Review status: no assertion criteria provided. Collection method: clinical testing. Allele origin: germline. Affected: yes. Study: VKGL Data-share Consensus. Not counted in ClinVar's aggregate classification.

Diagnostic Laboratory, Department of Genetics, University Medical Center Groningen
Classification: Benign. Review status: no assertion criteria provided. Collection method: clinical testing. Allele origin: germline. Affected: yes. Study: VKGL Data-share Consensus. Not counted in ClinVar's aggregate classification.